The following is an entry in ClinVar:

ClinVar aggregate classification (germline): Likely benign (1 of 4 stars; one submission).

Allele frequency attached by ClinVar (database versions not stated): TOPMed 0.00002; gnomAD exomes 0.00003; gnomAD 0.00001; ExAC 0.00002.

Submission:

CeGaT Center for Human Genetics Tuebingen
Classification: Likely benign. Last evaluated: 2024-01-01. Review status: criteria provided, single submitter. Criteria: CeGaT Center For Human Genetics Tuebingen Variant Classification Criteria Version 2. Collection method: clinical testing. Allele origin: germline. Affected: yes. Observed: 1 variant allele.
Comment: NLRP12: BP4, BP7

NM_144687.4(NLRP12):c.1341G>A (p.Pro447=)

Gene: NLRP12 (NLR family pyrin domain containing 12; minus strand). Cytogenetic location: 19q13.42.
Variant type: single nucleotide variant.
Coding change: c.1341G>A on transcript NM_144687.4 (MANE Select); coding-DNA position 1341, G replaced by A.
Protein change: p.Pro447=; no amino-acid change (proline 447 retained).
Molecular consequence: synonymous variant.
Genome position (GRCh38, 1-based): chr19:53,810,318, C>T on the plus strand (G>A on the coding strand, the complement: NLRP12 is on the minus strand). VCF-style: chr19-53810318-C-T. GRCh37 (hg19) VCF-style: chr19-54313572-C-T.
Other names: c.1341G>A, p.Pro447= (NM_001277126.2, NM_001277129.1).
Identifiers: ClinVar variation 871356 (VCV000871356.41), dbSNP rs577056280, ClinGen allele CA9639449.